The following is an entry in ClinVar:

NM_007294.4(BRCA1):c.294T>C (p.Gly98=)

Gene: BRCA1 (BRCA1 DNA repair associated; minus strand). Cytogenetic location: 17q21.31.
Variant type: single nucleotide variant.
Coding change: c.294T>C on transcript NM_007294.4 (MANE Select); coding-DNA position 294, T replaced by C.
Protein change: p.Gly98=; no amino-acid change (glycine 98 retained).
Molecular consequence: synonymous variant. On other transcripts: 5 prime UTR variant (7), intron variant (2), splice donor variant (3).
Genome position (GRCh38, 1-based): chr17:43,104,875, A>G on the plus strand (T>C on the coding strand, the complement: BRCA1 is on the minus strand). VCF-style: chr17-43104875-A-G. GRCh37 (hg19) VCF-style: chr17-41256892-A-G.
Other names: c.-88T>C (NM_001407960.1, NM_001407962.1, NM_001407963.1 and 4 more transcripts); c.84T>C, p.Gly28= (NM_001407571.1, NM_001408478.1, NM_001408479.1 and 58 more transcripts); c.294T>C, p.Gly98= (NM_001407581.1, NM_001407582.1, NM_001407583.1 and 165 more transcripts); c.216T>C, p.Gly72= (NM_001407653.1, NM_001407654.1, NM_001407655.1 and 21 more transcripts); c.153T>C, p.Gly51= (NM_001407964.1, NM_001408410.1, NM_001408452.1 and 99 more transcripts); c.162T>C, p.Gly54= (NM_001408451.1); c.-218-10015T>C (NM_001407967.1, NM_001407966.1); c.292+2T>C (NM_001408408.1, NM_001407647.1, NM_001407646.1).
Identifiers: ClinVar variation 868362 (VCV000868362.3), dbSNP rs2054671376, ClinGen allele CA500127453.

Conditions:
Breast-ovarian cancer, familial, susceptibility to, 1 (BROVCA1). Also called: BRCA1 Hereditary Breast and Ovarian Cancer; OVARIAN CANCER, SUSCEPTIBILITY TO. Identifiers: Orphanet 145, MedGen C2676676, MONDO:0011450, OMIM 604370. Disease mechanism: loss of function.

Submission:

Brotman Baty Institute, University of Washington
No classification provided (evidence only). Condition: Breast-ovarian cancer, familial 1. Review status: no classification provided. Collection method: in vitro. Allele origin: not applicable. Functional consequence: functionally_normal.
ClinVar note: "not provided" was previously submitted as the classification for the variant. However, the classification appeared to be based only on an observation of functional data so it was converted to no classification on 2025-07-30.